The following is an entry in ClinVar:

NM_001042492.3(NF1):c.7140C>G (p.Leu2380=)

Gene: NF1 (neurofibromin 1; plus strand). Cytogenetic location: 17q11.2.
Variant type: single nucleotide variant.
Coding change: c.7140C>G on transcript NM_001042492.3 (MANE Select); coding-DNA position 7140, C replaced by G.
Protein change: p.Leu2380=; no amino-acid change (leucine 2380 retained).
Molecular consequence: synonymous variant.
Genome position (GRCh38, 1-based): chr17:31,343,086, C>G. VCF-style: chr17-31343086-C-G. GRCh37 (hg19) VCF-style: chr17-29670104-C-G.
Other names: c.7077C>G, p.Leu2359= (NM_000267.4).
Identifiers: ClinVar variation 1630045 (VCV001630045.10), dbSNP rs1318891665, ClinGen allele CA499236840.

ClinVar aggregate classification (germline): Benign/Likely benign. Review status: criteria provided, multiple submitters, no conflicts (2 of 4 stars). 3 submissions from 3 submitters: Benign (1); Likely benign (2). Last evaluated 2026-09-29.

Conditions:
Cardiovascular phenotype. Identifiers: MedGen CN230736.
Hereditary cancer-predisposing syndrome. Also called: Neoplastic Syndromes, Hereditary; Tumor predisposition; Hereditary Cancer Syndrome; Hereditary neoplastic syndrome. Identifiers: Orphanet 140162, MedGen C0027672, MeSH D009386, MONDO:0015356.
Neurofibromatosis, type 1 (NF1). Also called: NEUROFIBROMATOSIS, TYPE I, SOMATIC; Neurofibromatosis, type I; VON RECKLINGHAUSEN DISEASE; Peripheral type neurofibromatosis. Identifiers: Orphanet 636, MedGen C0027831, MONDO:0018975, OMIM 162200. Disease mechanism: loss of function.

Allele frequency attached by ClinVar (database versions not stated): gnomAD exomes below 0.00001.
gnomAD v4.1: 2 of 1,613,970 alleles (0.00012%); highest among the groups gnomAD compares: Non-Finnish European, 0.00017%; no homozygotes.

Submissions (3):

Myriad Genetics, Inc.
Classification: Benign for Neurofibromatosis, type 1. Last evaluated: 2026-09-29. Review status: criteria provided, single submitter. Criteria: Myriad Autosomal Dominant, Autosomal Recessive and X-Linked Classification Criteria (2023). Collection method: clinical testing. Allele origin: unknown.
Comment: This variant is considered benign. This variant is a silent/synonymous amino acid change and it is not expected to impact splicing.

Ambry Genetics
Classification: Likely benign for Cardiovascular phenotype; Hereditary cancer-predisposing syndrome. Last evaluated: 2023-09-13. Review status: criteria provided, single submitter. Criteria: Ambry Variant Classification Scheme 2023. Collection method: clinical testing. Allele origin: germline.

Labcorp Genetics (formerly Invitae), Labcorp
Classification: Likely benign for Neurofibromatosis, type 1. Last evaluated: 2020-11-19. Review status: criteria provided, single submitter. Criteria: Invitae Variant Classification Sherloc (09022015). Collection method: clinical testing. Allele origin: germline.